The following is an entry in ClinVar:

NM_000426.4(LAMA2):c.4717+1G>T

Gene: LAMA2 (laminin subunit alpha 2; plus strand). Cytogenetic location: 6q22.33.
Variant type: single nucleotide variant.
Coding change: c.4717+1G>T on transcript NM_000426.4 (MANE Select); the canonical splice donor site of the intron after coding-DNA position 4717, G replaced by T.
Molecular consequence: splice donor variant.
Genome position (GRCh38, 1-based): chr6:129,353,358, G>T. VCF-style: chr6-129353358-G-T. GRCh37 (hg19) VCF-style: chr6-129674503-G-T.
Other names: c.4717+1G>T (NM_001079823.2).
Identifiers: ClinVar variation 429903 (VCV000429903.54), dbSNP rs1131691660, ClinGen allele CA365618953.

ClinVar aggregate classification (germline): Pathogenic/Likely pathogenic. Review status: criteria provided, multiple submitters, no conflicts (2 of 4 stars). 6 submissions from 6 submitters: Pathogenic (1); Likely pathogenic (4). 1 of the submissions does not count toward it. Last evaluated 2025-06-05.

Conditions:
LAMA2-related disorder. Also called: LAMA2-related disorders; LAMA2-related condition.
LAMA2-related muscular dystrophy (LAMA2-RD). Also called: Laminin alpha 2-related dystrophy. Identifiers: MedGen C5679788, MONDO:0100228.
Merosin deficient congenital muscular dystrophy (MDC1A). Also called: Congenital merosin-deficient muscular dystrophy 1A; Congenital Muscular Dystrophy Type 1A (MDC1A). Identifiers: Orphanet 258, MedGen C1263858, MONDO:0011925, OMIM 607855.

Allele frequency attached by ClinVar (database versions not stated): gnomAD exomes below 0.00001; gnomAD 0.00001; TOPMed 0.00001.

Submissions (6):

Myriad Genetics, Inc.
Classification: Pathogenic for LAMA2-related muscular dystrophy. Last evaluated: 2025-06-05. Review status: criteria provided, single submitter. Criteria: Myriad Autosomal Dominant, Autosomal Recessive and X-Linked Classification Criteria (2023). Collection method: clinical testing. Allele origin: unknown.
Comment: NM_000426.3(LAMA2):c.4717+1G>T is a variant in a canonical splice site classified as pathogenic in the context of muscular dystrophy, LAMA2-related. c.4717+1G>T has been observed in a case with relevant disease (PMID: 37526466). Relevant functional assessments of this variant are not available in the literature. c.4717+1G>T has been observed in referenced population frequency databases. In summary, NM_000426.3(LAMA2):c.4717+1G>T is a variant in a canonical splice site in a gene where loss of function is a known mechanism of disease, is predicted to disrupt protein function, and has been observed more frequently in cases with the relevant disease than in healthy populations. Please note: this variant was assessed in the context of healthy population screening.

Labcorp Genetics (formerly Invitae), Labcorp
Classification: Likely pathogenic for LAMA2-related muscular dystrophy. Last evaluated: 2023-08-21. Review status: criteria provided, single submitter. Criteria: Invitae Variant Classification Sherloc (09022015). Collection method: clinical testing. Allele origin: germline.
Comment: This sequence change affects a donor splice site in intron 32 of the LAMA2 gene. It is expected to disrupt RNA splicing. Variants that disrupt the donor or acceptor splice site typically lead to a loss of protein function (PMID: 16199547), and loss-of-function variants in LAMA2 are known to be pathogenic (PMID: 18700894, 32904964). In summary, the currently available evidence indicates that the variant is pathogenic, but additional data are needed to prove that conclusively. Therefore, this variant has been classified as Likely Pathogenic. Algorithms developed to predict the effect of sequence changes on RNA splicing suggest that this variant may disrupt the consensus splice site. ClinVar contains an entry for this variant (Variation ID: 429903). Disruption of this splice site has been observed in individual(s) with clinical features of limb-girdle muscular dystrophy (PMID: 32528171). The frequency data for this variant in the population databases is considered unreliable, as metrics indicate poor data quality at this position in the gnomAD database.

Blueprint Genetics
Classification: Likely pathogenic for LAMA2-related disorders. Last evaluated: 2023-06-28. Review status: criteria provided, single submitter. Criteria: ACMG Guidelines, 2015. Collection method: clinical testing. Allele origin: germline. Affected: yes. Observed: 1 variant allele.

GeneDx
Classification: Likely pathogenic. Last evaluated: 2020-11-06. Review status: criteria provided, single submitter. Criteria: GeneDx Variant Classification Process June 2021. Collection method: clinical testing. Allele origin: germline. Affected: yes.
Comment: Canonical splice site variant predicted to result in a null allele in a gene for which loss-of-function is a known mechanism of disease; Not observed at a significant frequency in large population cohorts (Lek et al., 2016); Has not been previously published as pathogenic or benign to our knowledge; This variant is associated with the following publications: (PMID: 18700894, 32528171)

CeGaT Center for Human Genetics Tuebingen
Classification: Likely pathogenic. Last evaluated: 2017-11-01. Review status: criteria provided, single submitter. Criteria: CeGaT Center For Human Genetics Tuebingen Variant Classification Criteria Version 2. Collection method: clinical testing. Allele origin: germline. Affected: yes. Observed: 1 variant allele.

Counsyl
Classification: Likely pathogenic for Merosin deficient congenital muscular dystrophy. Last evaluated: 2017-10-03. Review status: no assertion criteria provided. Collection method: clinical testing. Allele origin: unknown. Not counted in ClinVar's aggregate classification.

Literature cited by the submitters: PubMed 37526466 (cited by Myriad Genetics, Inc.); PubMed 16199547 (cited by Labcorp Genetics (formerly Invitae), Labcorp); PubMed 18700894 (cited by Labcorp Genetics (formerly Invitae), Labcorp); PubMed 32904964 (cited by Labcorp Genetics (formerly Invitae), Labcorp); PubMed 32528171 (cited by Labcorp Genetics (formerly Invitae), Labcorp).